The following is an entry in ClinVar:

NM_006767.4(LZTR1):c.2219+3A>G

Gene: LZTR1 (leucine zipper like post translational regulator 1; plus strand). Cytogenetic location: 22q11.21.
Variant type: single nucleotide variant.
Coding change: c.2219+3A>G on transcript NM_006767.4 (MANE Select); 3 bases into the intron after coding-DNA position 2219, A replaced by G.
Molecular consequence: intron variant.
Genome position (GRCh38, 1-based): chr22:20,996,115, A>G. VCF-style: chr22-20996115-A-G. GRCh37 (hg19) VCF-style: chr22-21350404-A-G.
Identifiers: ClinVar variation 1787876 (VCV001787876.5), dbSNP rs773139428, ClinGen allele CA913185978.

ClinVar aggregate classification (germline): Uncertain significance. Review status: criteria provided, multiple submitters, no conflicts (2 of 4 stars). 2 submissions from 2 submitters: Uncertain significance (2). Last evaluated 2025-01-19.

Conditions:
Hereditary cancer-predisposing syndrome. Also called: Neoplastic Syndromes, Hereditary; Tumor predisposition; Hereditary Cancer Syndrome; Hereditary neoplastic syndrome. Identifiers: Orphanet 140162, MedGen C0027672, MeSH D009386, MONDO:0015356.
Cardiovascular phenotype. Identifiers: MedGen CN230736.

Allele frequency attached by ClinVar (database versions not stated): gnomAD exomes below 0.00001.
gnomAD v4.1: 1 of 1,611,542 alleles (0.000062%); highest among the groups gnomAD compares: Non-Finnish European, 0.000085%; no homozygotes.

Submissions (2):

Labcorp Genetics (formerly Invitae), Labcorp
Classification: Uncertain significance. Last evaluated: 2025-01-19. Review status: criteria provided, single submitter. Criteria: Invitae Variant Classification Sherloc (09022015). Collection method: clinical testing. Allele origin: germline.
Comment: This sequence change falls in intron 18 of the LZTR1 gene. It does not directly change the encoded amino acid sequence of the LZTR1 protein. It affects a nucleotide within the consensus splice site. This variant is not present in population databases (gnomAD no frequency). This variant has not been reported in the literature in individuals affected with LZTR1-related conditions. ClinVar contains an entry for this variant (Variation ID: 1787876). Variants that disrupt the consensus splice site are a relatively common cause of aberrant splicing (PMID: 17576681, 9536098). Algorithms developed to predict the effect of sequence changes on RNA splicing suggest that this variant may disrupt the consensus splice site. In summary, the available evidence is currently insufficient to determine the role of this variant in disease. Therefore, it has been classified as a Variant of Uncertain Significance.

Ambry Genetics
Classification: Uncertain significance for Cardiovascular phenotype; Hereditary cancer-predisposing syndrome. Last evaluated: 2022-09-27. Review status: criteria provided, single submitter. Criteria: Ambry Variant Classification Scheme 2023. Collection method: clinical testing. Allele origin: germline.
Comment: The c.2219+3A>G intronic variant results from an A to G substitution 3 nucleotides after coding exon 18 in the LZTR1 gene. This nucleotide position is highly conserved in available vertebrate species. In silico splice site analysis predicts that this alteration will not have any significant effect on splicing. Since supporting evidence is limited at this time, the clinical significance of this alteration remains unclear.

Literature cited by the submitters: PubMed 17576681 (cited by Labcorp Genetics (formerly Invitae), Labcorp); PubMed 9536098 (cited by Labcorp Genetics (formerly Invitae), Labcorp).